The following is an entry in ClinVar:

ClinVar aggregate classification (germline): Uncertain significance (1 of 4 stars; one submission).

Conditions:
FGFR3-related disorder. Also called: FGFR3-related disorders.

gnomAD v4.1: 9 of 1,610,486 alleles (0.00056%); highest among the groups gnomAD compares: African/African-American, 0.012%; no homozygotes.

Submission:

PreventionGenetics, part of Exact Sciences
Classification: Uncertain significance for FGFR3-related condition. Last evaluated: 2025-11-04. Review status: criteria provided, single submitter. Criteria: ACMG Guidelines, 2015. Collection method: clinical testing. Allele origin: germline.
Comment: The FGFR3 c.2182T>C variant is predicted to result in the amino acid substitution p.Cys728Arg. To our knowledge, this variant has not been reported in the literature. This variant is reported in 0.013% of alleles in individuals of African descent in gnomAD. At this time, the clinical significance of this variant is uncertain due to the absence of conclusive functional and genetic evidence.

NM_000142.5(FGFR3):c.2250T>C (p.Arg750=)

Gene: FGFR3 (fibroblast growth factor receptor 3; plus strand). Cytogenetic location: 4p16.3.
Variant type: single nucleotide variant.
Coding change: c.2250T>C on transcript NM_000142.5 (MANE Select); coding-DNA position 2250, T replaced by C.
Protein change: p.Arg750=; no amino-acid change (arginine 750 retained).
Molecular consequence: synonymous variant. On other transcripts: missense variant (1), non-coding transcript variant (1).
Genome position (GRCh38, 1-based): chr4:1,806,910, T>C. VCF-style: chr4-1806910-T-C. GRCh37 (hg19) VCF-style: chr4-1808637-T-C.
Other names: c.2256T>C, p.Arg752= (NM_001163213.2); c.2253T>C, p.Arg751= (NM_001354809.2); c.2182T>C, p.Cys728Arg (NM_001354810.2); c.1914T>C, p.Arg638= (NM_022965.4); short protein forms C728R.
Identifiers: ClinVar variation 4979500 (VCV004979500.1).